The following is an entry in ClinVar:

NM_025009.5(CEP135):c.881T>G (p.Leu294Arg)

Gene: CEP135 (centrosomal protein 135; plus strand). Cytogenetic location: 4q12.
Variant type: single nucleotide variant.
Coding change: c.881T>G on transcript NM_025009.5 (MANE Select); coding-DNA position 881, T replaced by G.
Protein change: p.Leu294Arg; replaces leucine 294 with arginine.
Molecular consequence: missense variant.
Genome position (GRCh38, 1-based): chr4:55,965,696, T>G. VCF-style: chr4-55965696-T-G. GRCh37 (hg19) VCF-style: chr4-56831862-T-G.
Other names: short protein forms L294R.
Identifiers: ClinVar variation 2055332 (VCV002055332.4), dbSNP rs2476038310, ClinGen allele CA356976505.
Genomic context (GRCh38, chr4:55,965,696, plus strand): 5'-CAATTTAGGTTGACTTTCTTCAGCAAGCTAATAAAGACCTGGAGAAGCGTATACGAGAGC[T>G]TATGGAAACCAAGGAAACAGTGACATCTGAAGTCGTTAATTTAAGTAACAAAAATGAAAA-3'
Protein context (NP_079285.2, residues 284-304): NKDLEKRIRE[Leu294Arg]METKETVTSE

ClinVar aggregate classification (germline): Uncertain significance (1 of 4 stars; one submission).

Submission:

Labcorp Genetics (formerly Invitae), Labcorp
Classification: Uncertain significance. Last evaluated: 2021-12-23. Review status: criteria provided, single submitter. Criteria: Invitae Variant Classification Sherloc (09022015). Collection method: clinical testing. Allele origin: germline.
Comment: Algorithms developed to predict the effect of sequence changes on RNA splicing suggest that this variant may create or strengthen a splice site. In summary, the available evidence is currently insufficient to determine the role of this variant in disease. Therefore, it has been classified as a Variant of Uncertain Significance. This sequence change replaces leucine, which is neutral and non-polar, with arginine, which is basic and polar, at codon 294 of the CEP135 protein (p.Leu294Arg). This variant is not present in population databases (gnomAD no frequency). This variant has not been reported in the literature in individuals affected with CEP135-related conditions. Algorithms developed to predict the effect of missense changes on protein structure and function are either unavailable or do not agree on the potential impact of this missense change (SIFT: "Deleterious"; PolyPhen-2: "Probably Damaging"; Align-GVGD: "Class C0").